The following is an entry in ClinVar:

NM_000540.3(RYR1):c.8251C>G (p.Leu2751Val)

Gene: RYR1 (ryanodine receptor 1; plus strand). Cytogenetic location: 19q13.2.
Variant type: single nucleotide variant.
Coding change: c.8251C>G on transcript NM_000540.3 (MANE Select); coding-DNA position 8251, C replaced by G.
Protein change: p.Leu2751Val; replaces leucine 2751 with valine.
Molecular consequence: missense variant.
Genome position (GRCh38, 1-based): chr19:38,505,022, C>G. VCF-style: chr19-38505022-C-G. GRCh37 (hg19) VCF-style: chr19-38995662-C-G.
Other names: c.8251C>G, p.Leu2751Val (NM_001042723.2); short protein forms L2751V.
Identifiers: ClinVar variation 4810782 (VCV004810782.1).

ClinVar aggregate classification (germline): Uncertain significance (1 of 4 stars; one submission).

Conditions:
RYR1-related disorder. Also called: RYR1-related condition; RYR1-related disorders. Identifiers: MedGen CN239331.

Submission:

Labcorp Genetics (formerly Invitae), Labcorp
Classification: Uncertain significance for RYR1-related disorder. Last evaluated: 2025-06-03. Review status: criteria provided, single submitter. Criteria: Invitae Variant Classification Sherloc (09022015). Collection method: clinical testing. Allele origin: germline.
Comment: This sequence change replaces leucine, which is neutral and non-polar, with valine, which is neutral and non-polar, at codon 2751 of the RYR1 protein (p.Leu2751Val). This variant is not present in population databases (gnomAD no frequency). This variant has not been reported in the literature in individuals affected with RYR1-related conditions. Invitae Evidence Modeling of protein sequence and biophysical properties (such as structural, functional, and spatial information, amino acid conservation, physicochemical variation, residue mobility, and thermodynamic stability) indicates that this missense variant is expected to disrupt RYR1 protein function with a positive predictive value of 80%. In summary, the available evidence is currently insufficient to determine the role of this variant in disease. Therefore, it has been classified as a Variant of Uncertain Significance.